The following is an entry in ClinVar:

ClinVar aggregate classification (germline): Conflicting classifications of pathogenicity. Review status: criteria provided, conflicting classifications (1 of 4 stars). 4 submissions from 4 submitters: Likely pathogenic (2); Uncertain significance (2). Last evaluated 2026-03-18.

Conditions:
Ehlers-Danlos syndrome, cardiac valvular type. Identifiers: Orphanet 230851, MedGen C4303789, MONDO:0009159, OMIM 225320.
Osteoporosis. Identifiers: MedGen C0029456, MONDO:0005298, OMIM 166710, HP:0000939.
Combined osteogenesis imperfecta and Ehlers-Danlos syndrome 2. Also called: OIEDS SYNDROME 2. Identifiers: MedGen C5436847, MONDO:0030855, OMIM 619120.
Osteogenesis imperfecta, perinatal lethal (OI2). Also called: OSTEOGENESIS IMPERFECTA, TYPE II; Osteogenesis imperfecta type 2; Osteogenesis imperfecta, dominant perinatal lethal; OI, TYPE II; OSTEOGENESIS IMPERFECTA CONGENITA; VROLIK TYPE OF OSTEOGENESIS IMPERFECTA. Identifiers: Orphanet 216804, MedGen C0268358, MONDO:0008147, OMIM 166210.
Osteogenesis imperfecta type III (OI3). Also called: Osteogenesis imperfecta type 3; OI type 3; Osteogenesis imperfecta, progressively deforming with normal sclerae; OI type III; Progressively Deforming Osteogenesis Imperfecta. Identifiers: Orphanet 216812, Orphanet 666, MedGen C0268362, MONDO:0009804, OMIM 259420.
Ehlers-Danlos syndrome, arthrochalasia type, 2. Also called: EHLERS-DANLOS SYNDROME, TYPE VIIB, AUTOSOMAL DOMINANT. Identifiers: MedGen CN293783, MONDO:0040501, OMIM 617821.
Osteogenesis imperfecta with normal sclerae, dominant form (OI4). Also called: Osteogenesis Imperfecta Type IV; Osteogenesis imperfecta type 4; OSTEOGENESIS IMPERFECTA, TYPE IV, WITH DENTINOGENESIS IMPERFECTA; OSTEOGENESIS IMPERFECTA WITH NORMAL SCLERAE; Common Variable Osteogenesis Imperfecta with Normal Sclerae. Identifiers: Orphanet 216820, Orphanet 666, MedGen C0268363, MONDO:0008148, OMIM 166220.
Ehlers-Danlos syndrome, classic type, 1 (EDSCL1). Also called: Ehlers-Danlos Syndrome, Classic Type, COL5A1-Related; EDS I; EHLERS-DANLOS SYNDROME, GRAVIS TYPE; EHLERS-DANLOS SYNDROME, SEVERE CLASSIC TYPE; Ehlers-Danlos syndrome, type 1. Identifiers: MedGen C0268335, MONDO:0019567, OMIM 130000.
Osteogenesis imperfecta type I (OI1). Also called: Osteogenesis imperfecta type 1; Lobstein's Disease; OI, TYPE I; OSTEOGENESIS IMPERFECTA TARDA; OSTEOGENESIS IMPERFECTA WITH BLUE SCLERAE; Lobstein disease. Identifiers: Orphanet 216796, Orphanet 666, MedGen C0023931, MONDO:0008146, OMIM 166200. Disease mechanism: loss of function.
Cardiovascular phenotype. Identifiers: MedGen CN230736.

Allele frequency attached by ClinVar (database versions not stated): gnomAD exomes below 0.00001; TOPMed below 0.00001.
gnomAD v4.1: 1 of 1,613,324 alleles (0.000062%); highest among the groups gnomAD compares: East Asian, 0.0022%; no homozygotes.

Submissions (4):

Women's Health and Genetics/Laboratory Corporation of America, LabCorp
Classification: Likely pathogenic for Ehlers-Danlos syndrome, cardiac valvular type. Last evaluated: 2026-03-18. Review status: criteria provided, single submitter. Criteria: LabCorp Variant Classification Summary - May 2015. Collection method: clinical testing. Allele origin: germline.
Comment: Variant summary: COL1A2 c.2080G>A (p.Gly694Ser) results in a non-conservative amino acid change in the encoded protein sequence near a canonical splice site. Algorithms developed to predict the effect of missense changes on protein structure and function all suggest that this variant is likely to be disruptive. Several computational tools predict a significant impact on normal splicing: Three predict the variant weakens a 3' acceptor site. However, these predictions have yet to be confirmed by functional studies. This variant disrupts the triple helix domain of COL1A2. Glycine residues within the Gly-Xaa-Yaa repeats of the triple helix domain are required for the structure and stability of fibrillar collagens (PMID: 7695699, 8218237, 19344236). The variant was absent in 250778 control chromosomes. To our knowledge, no occurrence of c.2080G>A in individuals affected with COL1A2-related conditions and no experimental evidence demonstrating its impact on protein function have been reported. ClinVar contains an entry for this variant (Variation ID: 1347642). Based on the evidence outlined above, the variant was classified as likely pathogenic.

Ambry Genetics
Classification: Uncertain significance for Cardiovascular phenotype. Last evaluated: 2025-06-11. Review status: criteria provided, single submitter. Criteria: Ambry Variant Classification Scheme 2023. Collection method: clinical testing. Allele origin: germline.
Comment: The p.G694S variant (also known as c.2080G>A) is located in coding exon 35 of the COL1A2 gene. The glycine at codon 694 is replaced by serine, an amino acid with similar properties. This change occurs in the first base pair of coding exon 35. The majority of pathogenic mutations identified to date in COL1A2 have involved the substitution of another amino acid for glycine within the triple-helical domain (Dagleish R.Nucleic Acids Res.1997 Jan 1;25(1):181-7; Marini JC et al.Hum Mutat.2007 Mar;28(3):209-21; Bardai G et al.Osteoporos Int2016 Dec;27(12):3607-3613). Internal structural analysis indicates that this alteration disrupts the characteristic G-X-Y motif in theCOL1A2protein and inserts a bulky side chain into asterically-constrainedregion (Bella J et al.Science.1994;266:75-81;HohenesterE et al.Proc. Natl.Acad. Sci. U.S.A.2008;105:18273-7; Ambry internal data). This variant was reported in individual(s) with features consistent with osteogenesis imperfecta (Chamberlain JR et al. Mol Ther, 2008 Jan;16:187-93). This amino acid position is highly conserved in available vertebrate species. In addition, this alteration is predicted to be deleterious by in silico analysis. Based on the available evidence, the clinical significance of this variant remains unclear.

Labcorp Genetics (formerly Invitae), Labcorp
Classification: Likely pathogenic for Osteogenesis imperfecta type I; Ehlers-Danlos syndrome, classic type, 1. Last evaluated: 2022-11-01. Review status: criteria provided, single submitter. Criteria: Invitae Variant Classification Sherloc (09022015). Collection method: clinical testing. Allele origin: germline.
Comment: This sequence change replaces glycine, which is neutral and non-polar, with serine, which is neutral and polar, at codon 694 of the COL1A2 protein (p.Gly694Ser). This variant is not present in population databases (gnomAD no frequency). This variant has not been reported in the literature in individuals affected with COL1A2-related conditions. ClinVar contains an entry for this variant (Variation ID: 1347642). Algorithms developed to predict the effect of missense changes on protein structure and function are either unavailable or do not agree on the potential impact of this missense change (SIFT: "Deleterious"; PolyPhen-2: "Not Available"; Align-GVGD: "Class C55"). This variant disrupts the triple helix domain of COL1A2. Glycine residues within the Gly-Xaa-Yaa repeats of the triple helix domain are required for the structure and stability of fibrillar collagens (PMID: 7695699, 8218237, 19344236). In COL1A2, variants affecting these glycine residues are significantly enriched in individuals with disease (PMID: 9016532, 17078022) compared to the general population (ExAC). In summary, the currently available evidence indicates that the variant is pathogenic, but additional data are needed to prove that conclusively. Therefore, this variant has been classified as Likely Pathogenic.

Juno Genomics, Hangzhou Juno Genomics, Inc
Classification: Uncertain significance for Osteoporosis; Combined osteogenesis imperfecta and Ehlers-Danlos syndrome 2; Ehlers-Danlos syndrome, arthrochalasia type, 2; Ehlers-Danlos syndrome, cardiac valvular type; Osteogenesis imperfecta, perinatal lethal; Osteogenesis imperfecta type III; Osteogenesis imperfecta with normal sclerae, dominant form. Review status: criteria provided, single submitter. Criteria: ACMG Guidelines, 2015. Collection method: clinical testing. Allele origin: germline.
Comment: Absent from controls (or at extremely low frequency if recessive) in Genome Aggregation Database.;Missense variant in a gene that has a low rate of benign missense variation.;Multiple lines of computational evidence support a deleterious effect on the gene or gene product.;Novel missense change at an amino acid residue where a different missense change determined to be pathogenic has been seen before.

Literature cited by the submitters: PubMed 17955022 (cited by Ambry Genetics); PubMed 7695699 (cited by Labcorp Genetics (formerly Invitae), Labcorp); PubMed 8218237 (cited by Labcorp Genetics (formerly Invitae), Labcorp); PubMed 19344236 (cited by Labcorp Genetics (formerly Invitae), Labcorp); PubMed 9016532 (cited by Labcorp Genetics (formerly Invitae), Labcorp); PubMed 17078022 (cited by Labcorp Genetics (formerly Invitae), Labcorp).

NM_000089.4(COL1A2):c.2080G>A (p.Gly694Ser)

Gene: COL1A2 (collagen type I alpha 2 chain; plus strand). Cytogenetic location: 7q21.3.
Variant type: single nucleotide variant.
Coding change: c.2080G>A on transcript NM_000089.4 (MANE Select); coding-DNA position 2080, G replaced by A.
Protein change: p.Gly694Ser; replaces glycine 694 with serine.
Molecular consequence: missense variant.
Genome position (GRCh38, 1-based): chr7:94,420,233, G>A. VCF-style: chr7-94420233-G-A. GRCh37 (hg19) VCF-style: chr7-94049545-G-A.
Other names: c.2080G>A (NM_000089.3); short protein forms G694S.
Identifiers: ClinVar variation 1347642 (VCV001347642.10), dbSNP rs121912908, ClinGen allele CA368223207.
Genomic context (GRCh38, chr7:94,420,233, plus strand): 5'-CCAGTTCTTTGAGCATCTATGTCAGGCACATTAACAGATTCATCTTTGGTCCCATTATAG[G>A]GCGAAGCTGGGGCTGCTGGTCCTGCTGGTCCTGCTGGTCCTCGGGGAAGCCCTGTAAGTA-3'
Protein context (NP_000080.2, residues 684-704): PGPAGATGDR[Gly694Ser]EAGAAGPAGP